The following is an entry in ClinVar:

ClinVar aggregate classification (germline): Uncertain significance (1 of 4 stars; one submission).

Conditions:
ADCY3-related disorder. Also called: ADCY3-related condition.

gnomAD v4.1: 5 of 1,613,706 alleles (0.00031%); highest among the groups gnomAD compares: East Asian, 0.0045%; no homozygotes.

Submission:

PreventionGenetics, part of Exact Sciences
Classification: Uncertain significance for ADCY3-related condition. Last evaluated: 2025-07-31. Review status: criteria provided, single submitter. Criteria: ACMG Guidelines, 2015. Collection method: clinical testing. Allele origin: germline.
Comment: The ADCY3 c.1250C>T variant is predicted to result in the amino acid substitution p.Thr417Met. To our knowledge, this variant has not been reported in the literature or in a large population database (gnomAD), indicating this variant is rare. At this time, the clinical significance of this variant is uncertain due to the absence of conclusive functional and genetic evidence.

NM_004036.5(ADCY3):c.1250C>T (p.Thr417Met)

Gene: ADCY3 (adenylate cyclase 3; minus strand). Cytogenetic location: 2p23.3.
Variant type: single nucleotide variant.
Coding change: c.1250C>T on transcript NM_004036.5 (MANE Select); coding-DNA position 1250, C replaced by T.
Protein change: p.Thr417Met; replaces threonine 417 with methionine.
Molecular consequence: missense variant.
Genome position (GRCh38, 1-based): chr2:24,839,978, G>A on the plus strand (C>T on the coding strand, the complement: ADCY3 is on the minus strand). VCF-style: chr2-24839978-G-A. GRCh37 (hg19) VCF-style: chr2-25062847-G-A.
Other names: c.1250C>T, p.Thr417Met (NM_001320613.2, NM_001377128.1, NM_001377129.1 and 2 more transcripts); c.527C>T, p.Thr176Met (NM_001377131.1); short protein forms T417M, T176M.
Identifiers: ClinVar variation 4983459 (VCV004983459.1).
Genomic context (GRCh38, chr2:24,839,978, plus strand): 5'-GTCGACCACACGTCGTACTGCCAGCGCTTCTGGCCCAGGACGCCCCCCAGCACGGTGCCC[G>A]TGTGCACCCCCACACGCATGTCCACCCCAGTCTTGGTCTTCTCCCGCACATACCTGCCAG-3'
Protein context (NP_004027.2, residues 407-427): TGVDMRVGVH[Thr417Met]GTVLGGVLGQ